The following is an entry in ClinVar:

NM_174936.4(PCSK9):c.1197G>A (p.Met399Ile)

Gene: PCSK9 (proprotein convertase subtilisin/kexin type 9; plus strand). Cytogenetic location: 1p32.3.
Variant type: single nucleotide variant.
Coding change: c.1197G>A on transcript NM_174936.4 (MANE Select); coding-DNA position 1197, G replaced by A.
Protein change: p.Met399Ile; replaces methionine 399 with isoleucine.
Molecular consequence: missense variant.
Genome position (GRCh38, 1-based): chr1:55,058,052, G>A. VCF-style: chr1-55058052-G-A. GRCh37 (hg19) VCF-style: chr1-55523725-G-A.
Other names: c.1320G>A, p.Met440Ile (NM_001407240.1); c.1197G>A, p.Met399Ile (NM_001407241.1); c.1200G>A, p.Met400Ile (NM_001407242.1); c.1140G>A, p.Met380Ile (NM_001407243.1); c.1005G>A, p.Met335Ile (NM_001407245.1); c.822G>A, p.Met274Ile (NM_001407246.1); short protein forms M399I, M274I, M335I, M380I, M400I, M440I.
Identifiers: ClinVar variation 918558 (VCV000918558.6), dbSNP rs1359876864, ClinGen allele CA340477091.

ClinVar aggregate classification (germline): Uncertain significance (1 of 4 stars; one submission).

Conditions:
Familial hypercholesterolemia. Also called: Familial hypercholesterolaemia. Identifiers: MedGen C0020445, MONDO:0005439.

Allele frequency attached by ClinVar (database versions not stated): gnomAD exomes below 0.00001.
gnomAD v4.1: 2 of 1,613,782 alleles (0.00012%); highest among the groups gnomAD compares: Non-Finnish European, 0.00017%; no homozygotes.

Submission:

Color Diagnostics, LLC DBA Color Health
Classification: Uncertain significance for Familial hypercholesterolemia. Last evaluated: 2023-12-05. Review status: criteria provided, single submitter. Criteria: ACMG Guidelines, 2015. Collection method: clinical testing. Allele origin: germline.
Comment: This missense variant replaces methionine with isoleucine at codon 399 of the PCSK9 protein. Computational prediction tools and conservation analyses are inconclusive regarding the impact of this variant on the protein function. Computational splicing tools suggest that this variant may not impact RNA splicing. To our knowledge, functional assays have not been performed for this variant nor has this variant been reported in individuals affected with familial hypercholesterolemia in the literature. This variant has been identified in 1/251002 chromosomes in the general population by the Genome Aggregation Database (gnomAD). Available evidence is insufficient to determine the role of this variant in disease conclusively. Therefore, this variant is classified as a Variant of Uncertain Significance.